The following is an entry in ClinVar:

ClinVar aggregate classification (germline): Uncertain significance. Review status: criteria provided, multiple submitters, no conflicts (2 of 4 stars). 4 submissions from 4 submitters: Uncertain significance (4). Last evaluated 2025-12-26.

Conditions:
Inborn genetic diseases. Identifiers: MedGen C0950123, MeSH D030342.
C1S-related disorder. Also called: C1S-related condition.

Allele frequency attached by ClinVar (database versions not stated): gnomAD exomes 0.00005 and 0.00016; ExAC 0.00007; ESP Exome Variant Server 0.00008; gnomAD 0.00009 and 0.00010; TOPMed 0.00011.
gnomAD v4.1: 236 of 1,614,126 alleles (0.015%); highest among the groups gnomAD compares: Non-Finnish European, 0.019%; 1 homozygote.

Submissions (4):

PreventionGenetics, part of Exact Sciences
Classification: Uncertain significance for C1S-related condition. Last evaluated: 2025-12-26. Review status: criteria provided, single submitter. Criteria: ACMG Guidelines, 2015. Collection method: clinical testing. Allele origin: germline.
Comment: The C1S c.1742G>A variant is predicted to result in the amino acid substitution p.Arg581His. To our knowledge, this variant has not been reported in the literature. This variant is reported in 0.0077% of alleles in individuals of European (Non-Finnish) descent in gnomAD. At this time, the clinical significance of this variant is uncertain due to the absence of conclusive functional and genetic evidence.

Labcorp Genetics (formerly Invitae), Labcorp
Classification: Uncertain significance. Last evaluated: 2025-11-24. Review status: criteria provided, single submitter. Criteria: Invitae Variant Classification Sherloc (09022015). Collection method: clinical testing. Allele origin: germline.
Comment: This sequence change replaces arginine, which is basic and polar, with histidine, which is basic and polar, at codon 581 of the C1S protein (p.Arg581His). This variant is present in population databases (rs150394565, gnomAD 0.009%). This variant has not been reported in the literature in individuals affected with C1S-related conditions. ClinVar contains an entry for this variant (Variation ID: 1418929). Invitae Evidence Modeling of protein sequence and biophysical properties (such as structural, functional, and spatial information, amino acid conservation, physicochemical variation, residue mobility, and thermodynamic stability) indicates that this missense variant is not expected to disrupt C1S protein function with a negative predictive value of 80%. In summary, the available evidence is currently insufficient to determine the role of this variant in disease. Therefore, it has been classified as a Variant of Uncertain Significance.

Women's Health and Genetics/Laboratory Corporation of America, LabCorp
Classification: Uncertain significance. Last evaluated: 2025-09-09. Review status: criteria provided, single submitter. Criteria: LabCorp Variant Classification Summary - May 2015. Collection method: clinical testing. Allele origin: germline.
Comment: Variant summary: C1S c.1742G>A (p.Arg581His) results in a non-conservative amino acid change in the encoded protein sequence. Algorithms developed to predict the effect of missense changes on protein structure and function are either unavailable or do not agree on the potential impact of this missense change. The variant allele was found at a frequency of 4.8e-05 in 251406 control chromosomes. This frequency is not significantly higher than estimated for disease-causing variants in C1S, allowing no conclusion about variant significance. To our knowledge, no occurrence of c.1742G>A in individuals affected with C1S-related conditions and no experimental evidence demonstrating its impact on protein function have been reported. ClinVar contains an entry for this variant (Variation ID: 1418929). Based on the evidence outlined above, the variant was classified as uncertain significance.

Ambry Genetics
Classification: Uncertain significance for Inborn genetic diseases. Last evaluated: 2024-01-30. Review status: criteria provided, single submitter. Criteria: Ambry Variant Classification Scheme 2023. Collection method: clinical testing. Allele origin: germline.

NM_001734.5(C1S):c.1742G>A (p.Arg581His)

Gene: C1S (complement C1s; plus strand). Cytogenetic location: 12p13.31.
Variant type: single nucleotide variant.
Coding change: c.1742G>A on transcript NM_001734.5 (MANE Select); coding-DNA position 1742, G replaced by A.
Protein change: p.Arg581His; replaces arginine 581 with histidine.
Molecular consequence: missense variant.
Genome position (GRCh38, 1-based): chr12:7,070,326, G>A. VCF-style: chr12-7070326-G-A. GRCh37 (hg19) VCF-style: chr12-7177630-G-A.
Other names: c.1241G>A, p.Arg414His (NM_001346850.2); c.1742G>A, p.Arg581His (NM_201442.4); c.1742G>A (NM_201442.3, NM_201442.2); short protein forms R581H, R414H.
Identifiers: ClinVar variation 1418929 (VCV001418929.11), dbSNP rs150394565, ClinGen allele CA6423837.